The following is an entry in ClinVar:

NM_007294.4(BRCA1):c.998_1010del (p.Thr333fs)

Gene: BRCA1 (BRCA1 DNA repair associated; minus strand). Cytogenetic location: 17q21.31.
Variant type: Deletion.
Coding change: c.998_1010del on transcript NM_007294.4 (MANE Select); coding-DNA positions 998 to 1010, 13 bases deleted (CTCCCAGCACAGA).
Protein change: p.Thr333fs; shifts the reading frame from threonine 333.
Molecular consequence: frameshift variant. On other transcripts: intron variant (137).
Genome position (GRCh38, 1-based): chr17:43,094,521-43,094,533, TCTGTGCTGGGAG deleted on the plus strand (CTCCCAGCACAGA on the coding strand, the reverse complement: BRCA1 is on the minus strand); deleting any 13 consecutive bases within chr17:43,094,521-43,094,535 gives the same sequence; the c. name uses the placement nearest the transcript's 3' end. VCF-style (leftmost placement, unchanged base first): chr17-43094520-TTCTGTGCTGGGAG-T. GRCh37 (hg19) VCF-style: chr17-41246537-TTCTGTGCTGGGAG-T.
Other names: c.998_1010del13 (NM_007294.3); c.998_1010del, p.Thr333fs (NM_001407582.1, NM_001407583.1, NM_001407585.1 and 30 more transcripts); c.995_1007del, p.Thr332fs (NM_001407587.1, NM_001407590.1, NM_001407591.1 and 22 more transcripts); c.989_1001del, p.Thr330fs (NM_001407646.1, NM_001407647.1); c.875_887del, p.Thr292fs (NM_001407648.1, NM_001407664.1, NM_001407665.1 and 19 more transcripts); c.872_884del, p.Thr291fs (NM_001407649.1, NM_001407670.1, NM_001407671.1 and 11 more transcripts); c.920_932del, p.Thr307fs (NM_001407653.1, NM_001407654.1, NM_001407655.1 and 4 more transcripts); c.917_929del, p.Thr306fs (NM_001407659.1, NM_001407660.1, NM_001407661.1 and 1 more transcripts); and 41 more; short protein forms T333fs, T286fs, T262fs, T266fs, T307fs, T332fs, T263fs, T265fs.
Identifiers: ClinVar variation 482945 (VCV000482945.6), dbSNP rs1555592676, ClinGen allele CA658656801.

ClinVar aggregate classification (germline): Pathogenic (1 of 4 stars; one submission).

Conditions:
Hereditary cancer-predisposing syndrome. Also called: Neoplastic Syndromes, Hereditary; Tumor predisposition; Hereditary Cancer Syndrome; Hereditary neoplastic syndrome. Identifiers: Orphanet 140162, MedGen C0027672, MeSH D009386, MONDO:0015356.

Submission:

Ambry Genetics
Classification: Pathogenic for Hereditary cancer-predisposing syndrome. Last evaluated: 2017-04-27. Review status: criteria provided, single submitter. Criteria: Ambry Variant Classification Scheme 2023. Collection method: clinical testing. Allele origin: germline.
Comment: The c.998_1010del13 pathogenic mutation, located in coding exon 9 of the BRCA1 gene, results from a deletion of 13 nucleotides at nucleotide positions 998 to 1010, causing a translational frameshift with a predicted alternate stop codon (p.T333Kfs*4). This alteration is expected to result in loss of function by premature protein truncation or nonsense-mediated mRNA decay. As such, this alteration is interpreted as a disease-causing mutation.